The following is an entry in ClinVar:

NM_025137.4(SPG11):c.5601_5602dup (p.Asn1868fs)

Gene: SPG11 (SPG11 vesicle trafficking associated, spatacsin; minus strand). Cytogenetic location: 15q21.1.
Variant type: Microsatellite.
Coding change: c.5601_5602dup on transcript NM_025137.4 (MANE Select); coding-DNA positions 5601 to 5602, 2 bases duplicated (GA; older notation c.5601_5602dupGA).
Protein change: p.Asn1868fs; shifts the reading frame from asparagine 1868.
Molecular consequence: frameshift variant.
Genome position (GRCh38, 1-based): chr15:44,584,078-44,584,079, TC duplicated on the plus strand (GA on the coding strand, the reverse complement: SPG11 is on the minus strand); duplicating any 2 consecutive bases within chr15:44,584,078-44,584,081 gives the same sequence; the c. name uses the placement nearest the transcript's 3' end. VCF-style (leftmost placement, unchanged base first): chr15-44584077-T-TTC. GRCh37 (hg19) VCF-style: chr15-44876275-T-TTC.
Other names: c.5601_5602dup, p.Asn1868fs (NM_001160227.2); c.5457_5458dup, p.Asn1820fs (NM_001411132.1); c.5601_5602dupGA (NM_025137.4); short protein forms N1820fs, N1868fs.
Identifiers: ClinVar variation 4850648 (VCV004850648.1).

ClinVar aggregate classification (germline): Likely pathogenic (1 of 4 stars; one submission).

Conditions:
Amyotrophic lateral sclerosis type 5 (ALS5). Also called: AMYOTROPHIC LATERAL SCLEROSIS 5, JUVENILE. Identifiers: Orphanet 300605, MedGen C1865864, MONDO:0011196, OMIM 602099.
Hereditary spastic paraplegia 11. Also called: SPASTIC PARAPLEGIA, AUTOSOMAL RECESSIVE, COMPLICATED, WITH THIN CORPUS CALLOSUM; SPASTIC PARAPLEGIA, AUTOSOMAL RECESSIVE, WITH MENTAL IMPAIRMENT AND THIN CORPUS CALLOSUM; Spastic Paraplegia 11; Nakamura Osame syndrome; Autosomal recessive hereditary spastic paraplegia, mental impairment, and thin corpus callosum; Spastic paraplegia, mental retardation and thin corpus callosum. Identifiers: Orphanet 2822, MedGen C1858479, MONDO:0011445, OMIM 604360.
Charcot-Marie-Tooth disease axonal type 2X. Also called: CHARCOT-MARIE-TOOTH DISEASE, AXONAL, AUTOSOMAL RECESSIVE, TYPE 2X; CHARCOT-MARIE-TOOTH NEUROPATHY, TYPE 2X. Identifiers: Orphanet 466775, MedGen C5569024, MONDO:0014726, OMIM 616668.

Submission:

First Genomix Gene Laboratory, Genetic Diagnostics Department
Classification: Likely pathogenic for Amyotrophic lateral sclerosis type 5; Charcot-Marie-Tooth disease axonal type 2X; Hereditary spastic paraplegia 11. Last evaluated: 2025-08-04. Review status: criteria provided, single submitter. Criteria: ACMG Guidelines, 2015. Collection method: clinical testing. Allele origin: germline. Inheritance: Autosomal recessive inheritance. Affected: no. Observed: 1 variant allele.